The following is an entry in ClinVar:

ClinVar aggregate classification (germline): Likely pathogenic. Review status: criteria provided, multiple submitters, no conflicts (2 of 4 stars). 3 submissions from 3 submitters: Likely pathogenic (3). Last evaluated 2024-10-24.

Conditions:
NPHP3-related disorder. Also called: NPHP3-related condition; NPHP3-related disorders. Identifiers: MedGen CN379163.
Nephronophthisis 3 (NPHP3). Also called: Adolescent nephronophthisis. Identifiers: Orphanet 655, MedGen C1858392, MONDO:0011456, OMIM 604387.
NPHP3-related Meckel-like syndrome. Also called: Meckel syndrome type 7; GOLDSTON SYNDROME. Identifiers: Orphanet 3032, MedGen C2673885, MONDO:0009966, OMIM 267010.
Renal-hepatic-pancreatic dysplasia 1 (RHPD1). Identifiers: MedGen C3715199, MONDO:0008833, OMIM 208540.

Submissions (3):

PreventionGenetics, part of Exact Sciences
Classification: Likely pathogenic for NPHP3-related condition. Last evaluated: 2024-10-24. Review status: criteria provided, single submitter. Criteria: ACMG Guidelines, 2015. Collection method: clinical testing. Allele origin: germline.
Comment: The NPHP3 c.3570+1delG variant is predicted to result in a deletion affecting a canonical splice site. To our knowledge, this variant has not been reported in affected patients in the literature. This variant has not been reported in a large population database (gnomAD), indicating this variant is rare. Variants that disrupt the consensus splice donor site in NPHP3 are expected to be pathogenic. This variant is interpreted as likely pathogenic.

Fulgent Genetics
Classification: Likely pathogenic for Renal-hepatic-pancreatic dysplasia 1; NPHP3-related Meckel-like syndrome; Nephronophthisis 3. Last evaluated: 2024-05-14. Review status: criteria provided, single submitter. Criteria: ACMG Guidelines, 2015. Collection method: clinical testing. Allele origin: germline.

Blueprint Genetics
Classification: Likely pathogenic for NPHP3-related disorders. Last evaluated: 2019-12-04. Review status: criteria provided, single submitter. Criteria: ACMG Guidelines, 2015. Collection method: clinical testing. Allele origin: germline. Affected: yes. Observed: 1 variant allele.

NM_153240.5(NPHP3):c.3570+1del

Genes: NPHP3 (nephrocystin 3; minus strand), NPHP3-ACAD11 (NPHP3-ACAD11 readthrough (NMD candidate); minus strand). Cytogenetic location: 3q22.1.
Variant type: Deletion.
Coding change: c.3570+1del on transcript NM_153240.5 (MANE Select); the canonical splice donor site of the intron after coding-DNA position 3570, one base deleted (G; older notation c.3570+1delG).
Molecular consequence: splice donor variant.
Genome position (GRCh38, 1-based): chr3:132,684,553, C deleted on the plus strand (G on the coding strand, the reverse complement: NPHP3 is on the minus strand); the first of 2 consecutive C bases (chr3:132,684,553-132,684,554); deleting either gives the same sequence. VCF-style (leftmost placement, unchanged base first): chr3-132684552-AC-A. GRCh37 (hg19) VCF-style: chr3-132403396-AC-A.
Other names: c.3570+1delG (NM_153240.4).
Identifiers: ClinVar variation 3588518 (VCV003588518.3).